The following is an entry in ClinVar:

ClinVar aggregate classification (germline): Uncertain significance. Review status: criteria provided, multiple submitters, no conflicts (2 of 4 stars). 2 submissions from 2 submitters: Uncertain significance (2). Last evaluated 2024-11-04.

Conditions:
Microcephaly-intellectual disability-sensorineural hearing loss-epilepsy-abnormal muscle tone syndrome (NEDHSB). Also called: NEURODEVELOPMENTAL DISORDER WITH HEARING LOSS, SEIZURES, AND BRAIN ABNORMALITIES. Identifiers: Orphanet 457351, MedGen C4225276, MONDO:0014698, OMIM 616577.

Allele frequency attached by ClinVar (database versions not stated): gnomAD exomes 0.00001; ExAC 0.00002; TOPMed 0.00002; gnomAD 0.00007; ESP Exome Variant Server 0.00008.
gnomAD v4.1: 19 of 1,609,966 alleles (0.0012%); highest among the groups gnomAD compares: African/African-American, 0.0054%; no homozygotes.

Submissions (2):

Labcorp Genetics (formerly Invitae), Labcorp
Classification: Uncertain significance for Microcephaly-intellectual disability-sensorineural hearing loss-epilepsy-abnormal muscle tone syndrome. Last evaluated: 2024-11-04. Review status: criteria provided, single submitter. Criteria: Invitae Variant Classification Sherloc (09022015). Collection method: clinical testing. Allele origin: germline.
Comment: This sequence change replaces arginine, which is basic and polar, with histidine, which is basic and polar, at codon 501 of the SPATA5 protein (p.Arg501His). The frequency data for this variant in the population databases is considered unreliable, as metrics indicate poor data quality at this position in the gnomAD database. This variant has not been reported in the literature in individuals affected with SPATA5-related conditions. ClinVar contains an entry for this variant (Variation ID: 542387). Invitae Evidence Modeling of protein sequence and biophysical properties (such as structural, functional, and spatial information, amino acid conservation, physicochemical variation, residue mobility, and thermodynamic stability) has been performed for this missense variant. However, the output from this modeling did not meet the statistical confidence thresholds required to predict the impact of this variant on SPATA5 protein function. In summary, the available evidence is currently insufficient to determine the role of this variant in disease. Therefore, it has been classified as a Variant of Uncertain Significance.

Athena Diagnostics
Classification: Uncertain significance. Last evaluated: 2024-06-24. Review status: criteria provided, single submitter. Criteria: Athena Diagnostics Criteria. Collection method: clinical testing. Allele origin: unknown.
Comment: Available data are insufficient to determine the clinical significance of the variant at this time. The frequency of this variant in the general population is uninformative in assessment of its pathogenicity. Polyphen and MutationTaster yielded discordant predictions regarding whether this amino acid change is damaging to the protein.

NM_145207.3(AFG2A):c.1502G>A (p.Arg501His)

Gene: AFG2A (AAA ATPase AFG2A; plus strand). Cytogenetic location: 4q28.1.
Variant type: single nucleotide variant.
Coding change: c.1502G>A on transcript NM_145207.3 (MANE Select); coding-DNA position 1502, G replaced by A.
Protein change: p.Arg501His; replaces arginine 501 with histidine.
Molecular consequence: missense variant.
Genome position (GRCh38, 1-based): chr4:122,947,276, G>A. VCF-style: chr4-122947276-G-A. GRCh37 (hg19) VCF-style: chr4-123868431-G-A.
Other names: c.1499G>A, p.Arg500His (NM_001317799.2, NM_001345856.2); short protein forms R501H, R500H.
Identifiers: ClinVar variation 542387 (VCV000542387.8), dbSNP rs148135198, ClinGen allele CA3070478.
Genomic context (GRCh38, chr4:122,947,276, plus strand): 5'-TCATTTTATTTTGTTAGGAAGTAAGTGAAGGACAAGTGTTGGTTCTTGGGGCCACAAATC[G>A]CCCTCATGCCTTGGATGCTGCTCTCCGAAGACCTGGGCGATTTGATAAAGAGATTGAGAT-3'
Protein context (NP_660208.2, residues 491-511): GQVLVLGATN[Arg501His]PHALDAALRR